The following is an entry in ClinVar:

ClinVar aggregate classification (germline): Uncertain significance (1 of 4 stars; one submission).

Conditions:
Dilated cardiomyopathy 1W (CMD1W). Identifiers: Orphanet 154, MedGen C1969639, MONDO:0012667, OMIM 611407.

gnomAD v4.1: 1 of 1,614,144 alleles (0.000062%); highest among the groups gnomAD compares: Non-Finnish European, 0.000085%; no homozygotes.

Submission:

Labcorp Genetics (formerly Invitae), Labcorp
Classification: Uncertain significance for Dilated cardiomyopathy 1W. Last evaluated: 2024-02-14. Review status: criteria provided, single submitter. Criteria: Invitae Variant Classification Sherloc (09022015). Collection method: clinical testing. Allele origin: germline.
Comment: This sequence change replaces alanine, which is neutral and non-polar, with threonine, which is neutral and polar, at codon 859 of the VCL protein (p.Ala859Thr). This variant is not present in population databases (gnomAD no frequency). This variant has not been reported in the literature in individuals affected with VCL-related conditions. An algorithm developed to predict the effect of missense changes on protein structure and function (PolyPhen-2) suggests that this variant is likely to be disruptive. In summary, the available evidence is currently insufficient to determine the role of this variant in disease. Therefore, it has been classified as a Variant of Uncertain Significance.

NM_014000.3(VCL):c.2575G>A (p.Ala859Thr)

Gene: VCL (vinculin; plus strand). Cytogenetic location: 10q22.2.
Variant type: single nucleotide variant.
Coding change: c.2575G>A on transcript NM_014000.3 (MANE Select); coding-DNA position 2575, G replaced by A.
Protein change: p.Ala859Thr; replaces alanine 859 with threonine.
Molecular consequence: missense variant.
Genome position (GRCh38, 1-based): chr10:74,108,986, G>A. VCF-style: chr10-74108986-G-A. GRCh37 (hg19) VCF-style: chr10-75868744-G-A.
Other names: c.2575G>A, p.Ala859Thr (NM_003373.4); short protein forms A859T.
Identifiers: ClinVar variation 3690734 (VCV003690734.2).
Genomic context (GRCh38, chr10:74,108,986, plus strand): 5'-GAGTAGTTTTAGGACTTTACTTACAACTTGTTTTCTCTTTTTTAGCTAACAGATGAGCTT[G>A]CTCCTCCCAAACCACCTCTGCCTGAAGGTGAGGTCCCTCCACCTAGGCCTCCACCACCAG-3'
Protein context (NP_054706.1, residues 849-869): LEQLRLTDEL[Ala859Thr]PPKPPLPEGE